The following continues an entry in ClinVar:

NM_007294.4(BRCA1):c.301+6T>C

Gene: BRCA1. ClinVar aggregate classification (germline): Conflicting classifications of pathogenicity. Likely pathogenic (1); Uncertain significance (10).

Submissions 5 to 13 of 13:

Lupski Lab, Baylor-Hopkins CMG, Baylor College of Medicine
Classification: Likely pathogenic for Breast-ovarian cancer, familial, susceptibility to, 1. Last evaluated: 2024-04-12. Review status: criteria provided, single submitter. Criteria: Dawood et al. (medRxiv. 2024). Collection method: curation. Allele origin: germline.
Comment: Each variant was annotated with functional scores from MAVE data which was translated into functional evidence codes. All other evidence codes and combining criteria were adhered to as closely as possible based on the ClinGen VCEP (Variant Curation Expert Panel) gene-specific recommendations. See Supplemental Figure 34 of final paper (Supp Fig. 28 in preprint: doi:10.1101/2024.04.11.24305690) for a table to see which lines of evidence we did not have data for. The ClinGen VCEPs are highly regarded as the gold-standard for gene-specific variant curation and are developed after extensive evaluation of the evidence by clinical and scientific experts for the particular gene to classify genomic variants on a spectrum from pathogenic to benign using the 2015 ACMG/AMP Variant Interpretation Guidelines as a backbone (PMID: 25741868). Reclassification of these VUS variants from gnomAD or All of Us focused only on variants originally prescribed as VUS in ClinVar. To ensure reproducibility, transparency, and increased throughput, all the procedures for annotating variants and assigning evidence codes were codified using Python. All code has been made freely available and is linked in the Code Availability section and all reclassified variants with evidence codes used can be found in Tables S18-19 (preprint: doi:10.1101/2024.04.11.24305690). For the MAVE data, the clinical curation and clinical strength assignment as per the ClinGen recommendations in Brnich et al. (2020) (PMID: 31892348) for or against pathogenicity or benignity of each of these MAVE datasets utilized in this study were previously published in Fayer et al. (2021) (PMID: 34793697).In brief, for BRCA1 variants, if a variant was categorized as FUNC (functional), it was assigned BS3 evidence and no PS3 evidence, whereas if it was categorized as LOF (loss of function), the variant was assigned PS3 evidence and no BS3 evidence. Variants categorized as INT (intermediate) were left unannotated. For the BRCA1 combining criteria, greater than or equal to 1 criteria of strong benign evidence was enough to reclassify the VUS as Likely Benign. This variant GRCh38:17:43104862:A>G was assigned evidence codes ['PS3', 'PP3', 'PM2_Supporting'] and an overall classification of Likely pathogenic

St. Jude Molecular Pathology, St. Jude Children's Research Hospital
Classification: Uncertain significance for Breast-ovarian cancer, familial, susceptibility to, 1. Last evaluated: 2024-04-07. Review status: criteria provided, single submitter. Criteria: St. Jude Assertion Criteria 2020. Collection method: clinical testing. Allele origin: germline.
Comment: The BRCA1 c.301+6T>C intronic change results in a T to C substitution at the +6 position of intron 5 of the BRCA1 gene. Algorithms that predict the impact of sequence changes on splicing indicate that this change may impact splicing. A published RNA study reports this variant is associated with very low levels of aberrant transcript (PMID: 21769658). This variant has a maximum subpopulation frequency of 0.002% in gnomAD v2.1.1. This variant has been reported in individuals with breast and/or ovarian cancer (PMID: 21769658, 26845104). In summary, the evidence currently available is insufficient to determine the clinical significance of this variant. It has therefore been classified as of uncertain significance.?

Baylor Genetics
Classification: Uncertain significance for Breast-ovarian cancer, familial, susceptibility to, 1. Last evaluated: 2024-03-25. Review status: criteria provided, single submitter. Criteria: ACMG Guidelines, 2015. Collection method: clinical testing. Allele origin: unknown.

GeneDx
Classification: Uncertain significance. Last evaluated: 2023-12-12. Review status: criteria provided, single submitter. Criteria: GeneDx Variant Classification Process June 2021. Collection method: clinical testing. Allele origin: germline. Affected: yes.
Comment: Observed in individuals with a personal or family history of breast and/or ovarian cancer (PMID: 21769658, 26845104, 34178674); Published functional studies are conflicting: variant classified as non-functional based on a saturation genome editing (SGE) assay measuring cell survival (PMID: 30209399); an RNA study detected very low levels of aberrant transcript predicted to encode an in-frame change of four amino acids (p.Gly98_Tyr101delinsAsp); however, multifactorial likelihood analysis incorporating these splicing data resulted in classification of this variant as not pathogenic/low clinical significance (PMID: 21769658); Classified as benign (IARC class 1) in one multi-factorial likelihood assessment utilizing co-segregation, family history, and co-occurrence data, but specific clinical details were not provided (PMID: 34597585); Not observed at significant frequency in large population cohorts (gnomAD); In silico analysis supports a deleterious effect on splicing; Also known as IVS6+6T>C and 420+6T>C; This variant is associated with the following publications: (PMID: 26913838, 26845104, 21769658, 34178674, 29750258, 23893897, 20858050, 30209399, Findlay2023[interimreport], 34597585)

Fulgent Genetics
Classification: Uncertain significance for Familial cancer of breast; Breast-ovarian cancer, familial, susceptibility to, 1; Pancreatic cancer, susceptibility to, 4; Fanconi anemia, complementation group S. Last evaluated: 2022-03-16. Review status: criteria provided, single submitter. Criteria: ACMG Guidelines, 2015. Collection method: clinical testing. Allele origin: unknown.

Ambry Genetics
Classification: Uncertain significance for Hereditary cancer-predisposing syndrome. Last evaluated: 2021-10-29. Review status: criteria provided, single submitter. Criteria: Ambry Variant Classification Scheme 2023. Collection method: clinical testing. Allele origin: germline.
Comment: The c.301+6T>C intronic alteration consists of a T to C substitution nucleotides after coding exon 4 in the BRCA1 gene. Based on insufficient or conflicting evidence, the clinical significance of this alteration remains unclear.

University of Washington Department of Laboratory Medicine, University of Washington
Classification: Uncertain significance for Breast-ovarian cancer, familial, susceptibility to, 1. Last evaluated: 2015-11-20. Review status: criteria provided, single submitter. Criteria: Shirts et al. (Genet Med 2016). Collection method: clinical testing. Allele origin: germline. Affected: yes. Observed: 1 variant allele.

Department of Medical and Surgical Sciences, University of Bologna
Classification: Benign for Breast-ovarian cancer, familial, susceptibility to, 1. Last evaluated: 2023-09-01. Review status: no assertion criteria provided. Collection method: clinical testing. Allele origin: germline. Affected: yes. Not counted in ClinVar's aggregate classification.
Comment: PM2(Supporting)+PP3(Supporting)+BS3(Strong)+BP5(Very Strong) according to ACMG/AMP classification guidelines specified for BRCA1 & BRCA2 (Classification Criteria V1.0.0 2023-09-08) (PMID: 38160042)

Brotman Baty Institute, University of Washington
No classification provided (evidence only). Condition: Breast-ovarian cancer, familial 1. Review status: no classification provided. Collection method: in vitro. Allele origin: not applicable. Functional consequence: functionally_abnormal. Not counted in ClinVar's aggregate classification.
ClinVar note: "not provided" was previously submitted as the classification for the variant. However, the classification appeared to be based only on an observation of functional data so it was converted to no classification on 2025-07-30.

Literature cited by the submitters: PubMed 20858050 (cited by Women's Health and Genetics/Laboratory Corporation of America, LabCorp); PubMed 21769658 (cited by 4 submitters); PubMed 23893897 (cited by Women's Health and Genetics/Laboratory Corporation of America, LabCorp and Quest Diagnostics Nichols Institute San Juan Capistrano); PubMed 26845104 (cited by 4 submitters); PubMed 29750258 (cited by Women's Health and Genetics/Laboratory Corporation of America, LabCorp); PubMed 34178674 (cited by 3 submitters); PubMed 38160042 (cited by Women's Health and Genetics/Laboratory Corporation of America, LabCorp); PubMed 17576681 (cited by Labcorp Genetics (formerly Invitae), Labcorp); PubMed 9536098 (cited by Labcorp Genetics (formerly Invitae), Labcorp); PubMed 30209399 (cited by Color Diagnostics, LLC DBA Color Health and Quest Diagnostics Nichols Institute San Juan Capistrano); PubMed 30661751 (cited by Color Diagnostics, LLC DBA Color Health); PubMed 26913838 (cited by Quest Diagnostics Nichols Institute San Juan Capistrano); PubMed 39142283 (cited by Lupski Lab, Baylor-Hopkins CMG, Baylor College of Medicine); PubMed 34793697 (cited by Lupski Lab, Baylor-Hopkins CMG, Baylor College of Medicine); DOI 10.1101/2024.04.11.24305690 (cited by Lupski Lab, Baylor-Hopkins CMG, Baylor College of Medicine).